The following is an entry in ClinVar:

ClinVar aggregate classification (germline): Uncertain significance. Review status: criteria provided, multiple submitters, no conflicts (2 of 4 stars). 3 submissions from 3 submitters: Uncertain significance (3). Last evaluated 2026-08-31.

Conditions:
Inborn genetic diseases. Identifiers: MedGen C0950123, MeSH D030342.
Immunodeficiency 104. Also called: SCID, AUTOSOMAL RECESSIVE, T CELL-NEGATIVE, B CELL-POSITIVE, NK CELL-POSITIVE; Severe combined immunodeficiency, autosomal recessive, T cell-negative, B cell-positive, NK cell-positive; Severe Combined Immune Deficiency, Autosomal Recessive, TCell -Negative, B Cell-Positive, NK Cell-Positive, IL7R-Related; IMMUNODEFICIENCY 104, SEVERE COMBINED. Identifiers: MedGen C5676890, MONDO:0012163, OMIM 608971.

Allele frequency attached by ClinVar (database versions not stated): gnomAD exomes below 0.00001; gnomAD 0.00001; ExAC 0.00001; TOPMed 0.00002.
gnomAD v4.1: 6 of 1,614,110 alleles (0.00037%); highest among the groups gnomAD compares: Middle Eastern, 0.049%; no homozygotes.

Submissions (3):

Ambry Genetics
Classification: Uncertain significance for Inborn genetic diseases. Last evaluated: 2026-08-31. Review status: criteria provided, single submitter. Criteria: Ambry Variant Classification Scheme 2023. Collection method: clinical testing. Allele origin: germline.

Labcorp Genetics (formerly Invitae), Labcorp
Classification: Uncertain significance for Immunodeficiency 104. Last evaluated: 2024-11-04. Review status: criteria provided, single submitter. Criteria: Invitae Variant Classification Sherloc (09022015). Collection method: clinical testing. Allele origin: germline.
Comment: This sequence change replaces leucine, which is neutral and non-polar, with phenylalanine, which is neutral and non-polar, at codon 166 of the PTPRC protein (p.Leu166Phe). This variant is present in population databases (rs750674861, gnomAD 0.0009%). This variant has not been reported in the literature in individuals affected with PTPRC-related conditions. ClinVar contains an entry for this variant (Variation ID: 1393029). An algorithm developed to predict the effect of missense changes on protein structure and function (PolyPhen-2) suggests that this variant¬†is likely to be tolerated. Algorithms developed to predict the effect of sequence changes on RNA splicing suggest that this variant may disrupt the consensus splice site. In summary, the available evidence is currently insufficient to determine the role of this variant in disease. Therefore, it has been classified as a Variant of Uncertain Significance.

Breakthrough Genomics
Classification: Uncertain significance. Review status: criteria provided, single submitter. Criteria: ACMG Guidelines, 2015. Collection method: not provided. Allele origin: germline. Inheritance: Autosomal recessive inheritance. Affected: yes.

NM_002838.5(PTPRC):c.498G>T (p.Leu166Phe)

Gene: PTPRC (protein tyrosine phosphatase receptor type C; plus strand). Cytogenetic location: 1q32.1.
Variant type: single nucleotide variant.
Coding change: c.498G>T on transcript NM_002838.5 (MANE Select); coding-DNA position 498, G replaced by T.
Protein change: p.Leu166Phe; replaces leucine 166 with phenylalanine.
Molecular consequence: missense variant. On other transcripts: intron variant (1).
Genome position (GRCh38, 1-based): chr1:198,702,445, G>T. VCF-style: chr1-198702445-G-T. GRCh37 (hg19) VCF-style: chr1-198671574-G-T.
Other names: c.101-853G>T (NM_080921.4); c.492G>T (NM_002838.3); short protein forms L166F.
Identifiers: ClinVar variation 1393029 (VCV001393029.6), dbSNP rs750674861, ClinGen allele CA1314517.
Genomic context (GRCh38, chr1:198,702,445, plus strand): 5'-AGATGTCCCAGGAGAGAGGAGTACAGCCAGCACCTTTCCTACAGACCCAGTTTCCCCATT[G>T]ACAACCACCCTCAGCCTTGCACACCACAGCTCTGCTGCCTTACCTGCACGCACCTCCAAC-3'
Protein context (NP_002829.3, residues 156-176): STFPTDPVSP[Leu166Phe]TTTLSLAHHS